The following is an entry in ClinVar:

ClinVar aggregate classification (germline): Pathogenic/Likely pathogenic. Review status: criteria provided, multiple submitters, no conflicts (2 of 4 stars). 2 submissions from 2 submitters: Pathogenic (1); Likely pathogenic (1). Last evaluated 2025-09-13.

Conditions:
Senior-Loken syndrome 7 (SLSN7). Identifiers: Orphanet 3156, MedGen C3150877, MONDO:0013326, OMIM 613615.
Bardet-Biedl syndrome 16 (BBS16). Identifiers: Orphanet 110, MedGen C3889474, MONDO:0014444, OMIM 615993.

Submissions (2):

Labcorp Genetics (formerly Invitae), Labcorp
Classification: Pathogenic for Bardet-Biedl syndrome 16; Senior-Loken syndrome 7. Last evaluated: 2025-09-13. Review status: criteria provided, single submitter. Criteria: Invitae Variant Classification Sherloc (09022015). Collection method: clinical testing. Allele origin: germline.
Comment: This sequence change creates a premature translational stop signal (p.Glu519Glyfs*13) in the SDCCAG8 gene. It is expected to result in an absent or disrupted protein product. Loss-of-function variants in SDCCAG8 are known to be pathogenic (PMID: 20835237, 22190896). This variant is present in population databases (rs775158463, gnomAD 0.0009%). This variant has not been reported in the literature in individuals affected with SDCCAG8-related conditions. For these reasons, this variant has been classified as Pathogenic.

Fulgent Genetics
Classification: Likely pathogenic for Senior-Loken syndrome 7; Bardet-Biedl syndrome 16. Last evaluated: 2024-05-16. Review status: criteria provided, single submitter. Criteria: ACMG Guidelines, 2015. Collection method: clinical testing. Allele origin: germline.

Literature cited by the submitters: PubMed 20835237 (cited by Labcorp Genetics (formerly Invitae), Labcorp); PubMed 22190896 (cited by Labcorp Genetics (formerly Invitae), Labcorp).

NM_006642.5(SDCCAG8):c.1556_1557del (p.Glu519fs)

Gene: SDCCAG8 (SHH signaling and ciliogenesis regulator SDCCAG8; plus strand). Cytogenetic location: 1q43.
Variant type: Microsatellite.
Coding change: c.1556_1557del on transcript NM_006642.5 (MANE Select); coding-DNA positions 1556 to 1557, 2 bases deleted (AG; older notation c.1556_1557delAG).
Protein change: p.Glu519fs; shifts the reading frame from glutamic acid 519.
Molecular consequence: frameshift variant.
Genome position (GRCh38, 1-based): chr1:243,378,803-243,378,804, AG deleted; deleting any 2 consecutive bases within chr1:243,378,799-243,378,804 gives the same sequence; the c. name uses the placement nearest the transcript's 3' end. VCF-style (leftmost placement, unchanged base first): chr1-243378798-CAG-C. GRCh37 (hg19) VCF-style: chr1-243542100-CAG-C.
Other names: c.653_654del, p.Glu218fs (NM_001350246.2, NM_001350247.2, NM_001350251.2); c.1652_1653del, p.Glu551fs (NM_001350248.2); c.1262_1263del, p.Glu421fs (NM_001350249.2); short protein forms E421fs, E519fs, E551fs, E218fs.
Identifiers: ClinVar variation 3582752 (VCV003582752.2).